The following is an entry in ClinVar:

NM_007186.6(CEP250):c.5126G>A (p.Arg1709Gln)

Gene: CEP250 (centrosomal protein 250; plus strand). Cytogenetic location: 20q11.22.
Variant type: single nucleotide variant.
Coding change: c.5126G>A on transcript NM_007186.6 (MANE Select); coding-DNA position 5126, G replaced by A.
Protein change: p.Arg1709Gln; replaces arginine 1709 with glutamine.
Molecular consequence: missense variant.
Genome position (GRCh38, 1-based): chr20:35,503,495, G>A. VCF-style: chr20-35503495-G-A. GRCh37 (hg19) VCF-style: chr20-34091323-G-A.
Other names: c.3230G>A, p.Arg1077Gln (NM_001318219.1); short protein forms R1709Q, R1077Q.
Identifiers: ClinVar variation 1041223 (VCV001041223.6), dbSNP rs767828423, ClinGen allele CA9833827.

ClinVar aggregate classification (germline): Uncertain significance (1 of 4 stars; one submission).

Allele frequency attached by ClinVar (database versions not stated): ExAC 0.00001; gnomAD 0.00001; gnomAD exomes 0.00002; TOPMed 0.00002.
gnomAD v4.1: 15 of 1,614,088 alleles (0.00093%); highest among the groups gnomAD compares: Admixed American, 0.0083%; no homozygotes.

Submission:

Labcorp Genetics (formerly Invitae), Labcorp
Classification: Uncertain significance. Last evaluated: 2024-11-18. Review status: criteria provided, single submitter. Criteria: Invitae Variant Classification Sherloc (09022015). Collection method: clinical testing. Allele origin: germline.
Comment: This sequence change replaces arginine, which is basic and polar, with glutamine, which is neutral and polar, at codon 1709 of the CEP250 protein (p.Arg1709Gln). This variant is present in population databases (rs767828423, gnomAD 0.01%). This variant has not been reported in the literature in individuals affected with CEP250-related conditions. ClinVar contains an entry for this variant (Variation ID: 1041223). An algorithm developed to predict the effect of missense changes on protein structure and function outputs the following: PolyPhen-2: "Benign". The glutamine amino acid residue is found in multiple mammalian species, which suggests that this missense change does not adversely affect protein function. In summary, the available evidence is currently insufficient to determine the role of this variant in disease. Therefore, it has been classified as a Variant of Uncertain Significance.